The following is an entry in ClinVar:

ClinVar aggregate classification (germline): Benign (1 of 4 stars; one submission).

Allele frequency attached by ClinVar (database versions not stated): gnomAD 0.21949 and 0.22223; 1000 Genomes Project 0.22863; TOPMed 0.22886; 1000 Genomes Project 30x 0.23142.

Submission:

GeneDx
Classification: Benign. Last evaluated: 2018-06-16. Review status: criteria provided, single submitter. Criteria: GeneDx Variant Classification (06012015). Collection method: clinical testing. Allele origin: germline. Affected: yes.
Comment: This variant is considered likely benign or benign based on one or more of the following criteria: it is a conservative change, it occurs at a poorly conserved position in the protein, it is predicted to be benign by multiple in silico algorithms, and/or has population frequency not consistent with disease.

NM_018249.6(CDK5RAP2):c.5451+225C>T

Gene: CDK5RAP2 (CDK5 regulatory subunit associated protein 2; minus strand). Cytogenetic location: 9q33.2.
Variant type: single nucleotide variant.
Coding change: c.5451+225C>T on transcript NM_018249.6 (MANE Select); 225 bases into the intron after coding-DNA position 5451, C replaced by T.
Molecular consequence: intron variant.
Genome position (GRCh38, 1-based): chr9:120,400,517, G>A on the plus strand (C>T on the coding strand, the complement: CDK5RAP2 is on the minus strand). VCF-style: chr9-120400517-G-A. GRCh37 (hg19) VCF-style: chr9-123162795-G-A.
Other names: c.4761+225C>T (NM_001272039.2); c.5214+225C>T (NM_001011649.3).
Identifiers: ClinVar variation 680089 (VCV000680089.1), dbSNP rs12376337, ClinGen allele CA13063729.